The following is an entry in ClinVar:

NM_002471.4(MYH6):c.5565+2T>A

Gene: MYH6 (myosin heavy chain 6; minus strand). Cytogenetic location: 14q11.2.
Variant type: single nucleotide variant.
Coding change: c.5565+2T>A on transcript NM_002471.4 (MANE Select); the canonical splice donor site of the intron after coding-DNA position 5565, T replaced by A.
Molecular consequence: splice donor variant.
Genome position (GRCh38, 1-based): chr14:23,384,440, A>T on the plus strand (T>A on the coding strand, the complement: MYH6 is on the minus strand). VCF-style: chr14-23384440-A-T. GRCh37 (hg19) VCF-style: chr14-23853649-A-T.
Identifiers: ClinVar variation 3222356 (VCV003222356.1), dbSNP rs113775009, ClinGen allele CA7114398.

ClinVar aggregate classification (germline): Uncertain significance (1 of 4 stars; one submission).

Conditions:
Cardiovascular phenotype. Identifiers: MedGen CN230736.

Allele frequency attached by ClinVar (database versions not stated): ExAC 0.00001; gnomAD 0.00001.
gnomAD v4.1: 4 of 1,609,998 alleles (0.00025%); highest among the groups gnomAD compares: Non-Finnish European, 0.00034%; no homozygotes.

Submission:

Ambry Genetics
Classification: Uncertain significance for Cardiovascular phenotype. Last evaluated: 2024-01-05. Review status: criteria provided, single submitter. Criteria: Ambry Variant Classification Scheme 2023. Collection method: clinical testing. Allele origin: germline.
Comment: The c.5565+2T>A intronic variant results from a T to A substitution two nucleotides after coding exon 34 in the MYH6 gene. This variant has been reported to co-occur in trans with an MYH6 missense variant in two fetuses with hypoplastic left heart syndrome, while the heterozygous parents were unaffected (Najib B et al. BMC Cardiovasc Disord. 2023 Mar;23(1):116). This nucleotide position is highly conserved in available vertebrate species. In silico splice site analysis predicts that this alteration will weaken the native splice donor site. Alterations that disrupt the canonical splice site are expected to cause aberrant splicing, resulting in an abnormal protein or a transcript that is subject to nonsense-mediated mRNA decay. However, loss of function of MYH6 has not been established as a mechanism of disease. Since supporting evidence is limited at this time, the clinical significance of this alteration remains unclear.

Literature cited by the submitters: PubMed 36890431.